The following is an entry in ClinVar:

ClinVar aggregate classification (germline): Likely pathogenic (1 of 4 stars; one submission).

Conditions:
Gaucher disease. Also called: Acute cerebral Gaucher disease; Cerebroside lipidosis syndrome; Gaucher splenomegaly; Sphingolipidosis 1; Glucocerebrosidosis; Glucosylceramidase deficiency. Identifiers: Orphanet 355, MedGen C0017205, MONDO:0018150.

Submission:

Natera, Inc.
Classification: Likely pathogenic for Gaucher disease. Last evaluated: 2024-12-18. Review status: criteria provided, single submitter. Criteria: Natera Variant Classification Schema (03/2026). Collection method: clinical testing. Allele origin: germline.
Comment: The c.482C>T variant in GBA1 is a missense variant predicted to cause substitution of proline to leucine at amino acid 161. This variant is rare in the general population with a frequency below the threshold expected for the associated phenotype(s). This variant has been observed in one or more individuals affected with the associated recessive disease, as either homozygous or compound heterozygous with a second variant (PMID: 15954102). Functional studies show that this variant may disrupt protein function (PMID: 15954102). Computational prediction algorithms indicate this variant is likely to affect gene or protein function. Given the available evidence, this variant is classified as Likely Pathogenic.

Literature cited by the submitters: PubMed 15954102.

NM_000157.4(GBA1):c.482C>T (p.Pro161Leu)

Genes: GBA1 (glucosylceramidase beta 1; minus strand), LOC106627981 (GBA recombination region; plus strand). Cytogenetic location: 1q22.
Variant type: single nucleotide variant.
Coding change: c.482C>T on transcript NM_000157.4 (MANE Select); coding-DNA position 482, C replaced by T.
Protein change: p.Pro161Leu; replaces proline 161 with leucine.
Molecular consequence: missense variant.
Genome position (GRCh38, 1-based): chr1:155,238,623, G>A on the plus strand (C>T on the coding strand, the complement: GBA1 is on the minus strand). VCF-style: chr1-155238623-G-A. GRCh37 (hg19) VCF-style: chr1-155208414-G-A.
Other names: c.482C>T, p.Pro161Leu (NM_001005741.3, NM_001005742.3); c.221C>T, p.Pro74Leu (NM_001171811.2); c.335C>T, p.Pro112Leu (NM_001171812.2); short protein forms P112L, P161L, P74L.
Identifiers: ClinVar variation 4817769 (VCV004817769.1).